The following is an entry in ClinVar:

ClinVar aggregate classification (germline): Pathogenic. Review status: criteria provided, multiple submitters, no conflicts (2 of 4 stars). 5 submissions from 5 submitters: Pathogenic (4). 1 of the submissions does not count toward it. Last evaluated 2025-11-27.

Conditions:
Epidermolysis bullosa dystrophica. Also called: Dystrophic epidermolysis bullosa, Hallopeau-Siemens type (formerly); Dystrophic epidermolysis bullosa. Identifiers: Orphanet 303, MedGen C0079294, MONDO:0006543.
Recessive dystrophic epidermolysis bullosa (RDEB). Also called: DYSTROPHIC EPIDERMOLYSIS BULLOSA, AUTOSOMAL RECESSIVE; EPIDERMOLYSIS BULLOSA DYSTROPHICA, HALLOPEAU-SIEMENS TYPE; Recessive DEB (RDEB); EPIDERMOLYSIS BULLOSA DYSTROPHICA, GENERALIZED SEVERE, AUTOSOMAL RECESSIVE; Epidermolysis Bullosa Distrophica Autosomal Recessive (RDEB); epidermolysis bullosa dystrophica, autosomal recessive. Identifiers: Orphanet 79408, Orphanet 79409, MedGen C0079474, MONDO:0009179, OMIM 226600.
COL7A1-related disorder. Also called: COL7A1-related condition; COL7A1- related disorders.

Allele frequency attached by ClinVar (database versions not stated): gnomAD exomes below 0.00001; ExAC 0.00001.

Submissions (5):

Natera, Inc.
Classification: Pathogenic for Dystrophic epidermolysis bullosa. Last evaluated: 2025-11-27. Review status: criteria provided, single submitter. Criteria: Natera Variant Classification Schema (03/2026). Collection method: clinical testing. Allele origin: germline.
Comment: The c.6656dupT variant in COL7A1 is a frameshift variant predicted to shift the reading frame beginning at codon 2220 and leads to a stop codon 70 codons downstream. This variant is expected to result in nonsense mediated decay, truncation, or a dysfunctional protein product. This variant is rare in the general population with a frequency below the threshold expected for the associated phenotype(s). This variant has been observed in one or more individuals affected with the associated recessive disease, as either homozygous or compound heterozygous with a second variant (PMID: 16971478). Given the available evidence, this variant is classified as Pathogenic.

Myriad Genetics, Inc.
Classification: Pathogenic for Recessive dystrophic epidermolysis bullosa. Last evaluated: 2024-06-23. Review status: criteria provided, single submitter. Criteria: Myriad Autosomal Dominant, Autosomal Recessive and X-Linked Classification Criteria (2023). Collection method: clinical testing. Allele origin: unknown.
Comment: NM_000094.3(COL7A1):c.6656dupT(T2220Dfs*70) is expected to be pathogenic in the context of dystrophic epidermolysis bullosa. This variant is predicted to lead to an abnormal or absent protein product due to the creation of a premature termination codon in COL7A1, a gene where loss-of-function variants are known to be pathogenic. Please note: this variant was assessed in the context of healthy population screening.

GeneDx
Classification: Pathogenic. Last evaluated: 2023-10-19. Review status: criteria provided, single submitter. Criteria: GeneDx Variant Classification Process June 2021. Collection method: clinical testing. Allele origin: germline. Affected: yes.
Comment: Frameshift variant predicted to result in protein truncation or nonsense mediated decay in a gene for which loss of function is a known mechanism of disease; Not observed at significant frequency in large population cohorts (gnomAD); This variant is associated with the following publications: (PMID: 29625052, 26689913, 36451132, 16971478)

Labcorp Genetics (formerly Invitae), Labcorp
Classification: Pathogenic. Last evaluated: 2020-09-21. Review status: criteria provided, single submitter. Criteria: Invitae Variant Classification Sherloc (09022015). Collection method: clinical testing. Allele origin: germline.
Comment: For these reasons, this variant has been classified as Pathogenic. Loss-of-function variants in COL7A1 are known to be pathogenic (PMID: 16971478). This variant has been observed in individual(s) with Hallopeau Siemens recessive dystrophic epidermolysis bullosa (PMID: 16971478). ClinVar contains an entry for this variant (Variation ID: 431811). The frequency data for this variant in the population databases is considered unreliable, as metrics indicate poor data quality at this position in the ExAC database. This sequence change creates a premature translational stop signal (p.Thr2220Aspfs*70) in the COL7A1 gene. It is expected to result in an absent or disrupted protein product.

PreventionGenetics, part of Exact Sciences
Classification: Pathogenic for COL7A1-related condition. Last evaluated: 2024-05-14. Review status: no assertion criteria provided. Collection method: clinical testing. Allele origin: germline. Not counted in ClinVar's aggregate classification.
Comment: The COL7A1 c.6656dupT variant is predicted to result in a frameshift and premature protein termination (p.Thr2220Aspfs*70). This variant has been reported in the heterozygous and presumed compound heterozygous states in individuals with epidermolysis bullosa dystrophica (Appendix I, Varki et al. 2007. PubMed ID: 16971478). This variant is reported in 0.00088% of alleles in individuals of European (Non-Finnish) descent in gnomAD. Frameshift variants in COL7A1 are expected to be pathogenic. This variant is interpreted as pathogenic.

Literature cited by the submitters: PubMed 16971478 (cited by Natera, Inc. and Labcorp Genetics (formerly Invitae), Labcorp).

NM_000094.4(COL7A1):c.6656dup (p.Thr2220fs)

Gene: COL7A1 (collagen type VII alpha 1 chain; minus strand). Cytogenetic location: 3p21.31.
Variant type: Duplication.
Coding change: c.6656dup on transcript NM_000094.4 (MANE Select); coding-DNA position 6656, one base duplicated (T; older notation c.6656dupT).
Protein change: p.Thr2220fs; shifts the reading frame from threonine 2220.
Molecular consequence: frameshift variant.
Genome position (GRCh38, 1-based): chr3:48,573,232, A duplicated on the plus strand (T on the coding strand, the reverse complement: COL7A1 is on the minus strand). VCF-style (leftmost placement, unchanged base first): chr3-48573231-C-CA. GRCh37 (hg19) VCF-style: chr3-48610664-C-CA.
Other names: c.6656dupT (NM_000094.3); c.6656dup (NM_000094.3); short protein forms T2220fs.
Identifiers: ClinVar variation 431811 (VCV000431811.11), dbSNP rs757406252, ClinGen allele CA2378893.